The following is an entry in ClinVar:

ClinVar aggregate classification (germline): Uncertain significance. Review status: criteria provided, multiple submitters, no conflicts (2 of 4 stars). 3 submissions from 3 submitters: Uncertain significance (3). Last evaluated 2025-04-19.

Conditions:
Hereditary nonpolyposis colorectal neoplasms. Identifiers: MedGen C0009405, MeSH D003123.
Hereditary cancer-predisposing syndrome. Also called: Neoplastic Syndromes, Hereditary; Hereditary Cancer Syndrome; Hereditary neoplastic syndrome; Tumor predisposition. Identifiers: Orphanet 140162, MedGen C0027672, MeSH D009386, MONDO:0015356.
Endometrial carcinoma. Also called: Endometrial carcinoma, somatic. Identifiers: MedGen C0476089, MONDO:0002447, OMIM 608089, HP:0012114.

Submissions (3):

Ambry Genetics
Classification: Uncertain significance for Hereditary cancer-predisposing syndrome. Last evaluated: 2025-04-19. Review status: criteria provided, single submitter. Criteria: Ambry Variant Classification Scheme 2023. Collection method: clinical testing. Allele origin: germline.
Comment: The p.G211V variant (also known as c.632G>T), located in coding exon 4 of the MSH6 gene, results from a G to T substitution at nucleotide position 632. The glycine at codon 211 is replaced by valine, an amino acid with dissimilar properties. This amino acid position is conserved. In addition, this alteration is predicted to be tolerated by in silico analysis. Since supporting evidence is limited at this time, the clinical significance of this alteration remains unclear.

Labcorp Genetics (formerly Invitae), Labcorp
Classification: Uncertain significance for Hereditary nonpolyposis colorectal neoplasms. Last evaluated: 2024-06-21. Review status: criteria provided, single submitter. Criteria: Invitae Variant Classification Sherloc (09022015). Collection method: clinical testing. Allele origin: germline.
Comment: This sequence change replaces glycine, which is neutral and non-polar, with valine, which is neutral and non-polar, at codon 211 of the MSH6 protein (p.Gly211Val). This variant is not present in population databases (gnomAD no frequency). This variant has not been reported in the literature in individuals affected with MSH6-related conditions. ClinVar contains an entry for this variant (Variation ID: 2561266). Advanced modeling of protein sequence and biophysical properties (such as structural, functional, and spatial information, amino acid conservation, physicochemical variation, residue mobility, and thermodynamic stability) performed at Invitae indicates that this missense variant is not expected to disrupt MSH6 protein function with a negative predictive value of 95%. In summary, the available evidence is currently insufficient to determine the role of this variant in disease. Therefore, it has been classified as a Variant of Uncertain Significance.

Baylor Genetics
Classification: Uncertain significance for Endometrial carcinoma. Last evaluated: 2024-02-19. Review status: criteria provided, single submitter. Criteria: ACMG Guidelines, 2015. Collection method: clinical testing. Allele origin: unknown.

NM_000179.3(MSH6):c.632G>T (p.Gly211Val)

Gene: MSH6 (mutS homolog 6; plus strand). Cytogenetic location: 2p16.3.
Variant type: single nucleotide variant.
Coding change: c.632G>T on transcript NM_000179.3 (MANE Select); coding-DNA position 632, G replaced by T.
Protein change: p.Gly211Val; replaces glycine 211 with valine.
Molecular consequence: missense variant. On other transcripts: 5 prime UTR variant (9), non-coding transcript variant (4), intron variant (1).
Genome position (GRCh38, 1-based): chr2:47,798,615, G>T. VCF-style: chr2-47798615-G-T. GRCh37 (hg19) VCF-style: chr2-48025754-G-T.
Other names: c.242G>T, p.Gly81Val (NM_001281492.2); c.-275G>T (NM_001281493.2, NM_001281494.2, NM_001406811.1 and 6 more transcripts); c.728G>T, p.Gly243Val (NM_001406795.1, NM_001406802.1); c.632G>T, p.Gly211Val (NM_001406796.1, NM_001406798.1, NM_001406800.1 and 4 more transcripts); c.335G>T, p.Gly112Val (NM_001406797.1, NM_001406801.1, NM_001406805.1 and 10 more transcripts); c.107G>T, p.Gly36Val (NM_001406799.1, NM_001406806.1, NM_001406807.1); c.554G>T, p.Gly185Val (NM_001406804.1); c.638G>T, p.Gly213Val (NM_001406813.1); and 2 more; short protein forms G185V, G36V, G112V, G213V, G243V, G155V, G211V, G81V.
Identifiers: ClinVar variation 2561266 (VCV002561266.7), dbSNP rs2104287413, ClinGen allele CA346739222.
Genomic context (GRCh38, chr2:47,798,615, plus strand): 5'-CATTATGGTTTTCCAAATTTTGATTTGTTTTTAAATACTCTTTCCTTGCCTGGCAGGTAG[G>T]CACAACTTACGTAACAGATAAGAGTGAAGAAGATAATGAAATTGAGAGTGAAGAGGAAGT-3'
Protein context (NP_000170.1, residues 201-221): EPEEEEEMEV[Gly211Val]TTYVTDKSEE